The following is an entry in ClinVar:

NM_030777.4(SLC2A10):c.370T>C (p.Ser124Pro)

Gene: SLC2A10 (solute carrier family 2 member 10; plus strand). Cytogenetic location: 20q13.12.
Variant type: single nucleotide variant.
Coding change: c.370T>C on transcript NM_030777.4 (MANE Select); coding-DNA position 370, T replaced by C.
Protein change: p.Ser124Pro; replaces serine 124 with proline.
Molecular consequence: missense variant.
Genome position (GRCh38, 1-based): chr20:46,725,406, T>C. VCF-style: chr20-46725406-T-C. GRCh37 (hg19) VCF-style: chr20-45354045-T-C.
Other names: short protein forms S124P.
Identifiers: ClinVar variation 2093316 (VCV002093316.4), dbSNP rs2123044219, ClinGen allele CA409266882.

ClinVar aggregate classification (germline): Uncertain significance (1 of 4 stars; one submission).

Conditions:
Arterial tortuosity syndrome (ATORS). Identifiers: Orphanet 3342, MedGen C1859726, MONDO:0008818, OMIM 208050.

Allele frequency attached by ClinVar (database versions not stated): gnomAD exomes below 0.00001.
gnomAD v4.1: 2 of 1,614,156 alleles (0.00012%); highest among the groups gnomAD compares: Admixed American, 0.0017%; no homozygotes.

Submission:

Labcorp Genetics (formerly Invitae), Labcorp
Classification: Uncertain significance for Arterial tortuosity syndrome. Last evaluated: 2022-08-12. Review status: criteria provided, single submitter. Criteria: Invitae Variant Classification Sherloc (09022015). Collection method: clinical testing. Allele origin: germline.
Comment: This sequence change replaces serine, which is neutral and polar, with proline, which is neutral and non-polar, at codon 124 of the SLC2A10 protein (p.Ser124Pro). In summary, the available evidence is currently insufficient to determine the role of this variant in disease. Therefore, it has been classified as a Variant of Uncertain Significance. Advanced modeling of protein sequence and biophysical properties (such as structural, functional, and spatial information, amino acid conservation, physicochemical variation, residue mobility, and thermodynamic stability) performed at Invitae indicates that this missense variant is expected to disrupt SLC2A10 protein function. This variant has not been reported in the literature in individuals affected with SLC2A10-related conditions. This variant is not present in population databases (gnomAD no frequency).